The following is an entry in ClinVar:

NM_014283.5(SUCO):c.31G>A (p.Val11Ile)

Genes: SUCO (SUN domain containing ossification factor; plus strand), LOC129931914 (ATAC-STARR-seq lymphoblastoid active region 2094; plus strand). Cytogenetic location: 1q24.3.
Variant type: single nucleotide variant.
Coding change: c.31G>A on transcript NM_014283.5 (MANE Select); coding-DNA position 31, G replaced by A.
Protein change: p.Val11Ile; replaces valine 11 with isoleucine.
Molecular consequence: missense variant. On other transcripts: 5 prime UTR variant (1).
Genome position (GRCh38, 1-based): chr1:172,533,466, G>A. VCF-style: chr1-172533466-G-A. GRCh37 (hg19) VCF-style: chr1-172502606-G-A.
Other names: c.31G>A, p.Val11Ile (NM_001282750.2); c.-1499G>A (NM_001282751.2); c.616G>A, p.Val206Ile (NM_016227.4); short protein forms V11I, V206I.
Identifiers: ClinVar variation 2729440 (VCV002729440.3), dbSNP rs944065510, ClinGen allele CA32721141.

ClinVar aggregate classification (germline): Uncertain significance (1 of 4 stars; one submission).

Allele frequency attached by ClinVar (database versions not stated): gnomAD 0.00003.
gnomAD v4.1: 33 of 1,565,586 alleles (0.0021%); highest among the groups gnomAD compares: South Asian, 0.021%; no homozygotes.

Submission:

Labcorp Genetics (formerly Invitae), Labcorp
Classification: Uncertain significance. Last evaluated: 2025-07-21. Review status: criteria provided, single submitter. Criteria: Invitae Variant Classification Sherloc (09022015). Collection method: clinical testing. Allele origin: germline.
Comment: This sequence change replaces valine, which is neutral and non-polar, with isoleucine, which is neutral and non-polar, at codon 11 of the SUCO protein (p.Val11Ile). This variant is present in population databases (no rsID available, gnomAD 0.01%). This variant has not been reported in the literature in individuals affected with SUCO-related conditions. ClinVar contains an entry for this variant (Variation ID: 2729440). An algorithm developed to predict the effect of missense changes on protein structure and function (PolyPhen-2) suggests that this variant is likely to be tolerated. In summary, the available evidence is currently insufficient to determine the role of this variant in disease. Therefore, it has been classified as a Variant of Uncertain Significance.